The following is an entry in ClinVar:

ClinVar aggregate classification (germline): Likely pathogenic (1 of 4 stars; one submission).

Conditions:
Inborn genetic diseases. Identifiers: MedGen C0950123, MeSH D030342.

Submission:

Ambry Genetics
Classification: Likely pathogenic for Inborn genetic diseases. Last evaluated: 2026-05-15. Review status: criteria provided, single submitter. Criteria: Ambry Variant Classification Scheme 2023. Collection method: clinical testing. Allele origin: germline.
Comment: The c.473G>A (p.C158Y) alteration is located in exon 5 (coding exon 5) of the RORA gene. This alteration results from a G to A substitution at nucleotide position 473, causing the cysteine (C) at amino acid position 158 to be replaced by a tyrosine (Y). This variant was not reported in population-based cohorts in the Genome Aggregation Database (gnomAD). This variant segregated with disease in at least one family with features consistent with RORA-related neurodevelopmental disorder (Ambry internal data). This amino acid position is highly conserved in available vertebrate species. This missense alteration is located in a region that has a low rate of benign missense variation (Lek, 2016; Firth, 2009). This alteration is predicted to be deleterious by in silico analysis. Based on the available evidence, this alteration is classified as likely pathogenic.

NM_134261.3(RORA):c.374G>A (p.Cys125Tyr)

Genes: RORA (RAR related orphan receptor A; minus strand), RORA-AS1 (RORA antisense RNA 1; plus strand). Cytogenetic location: 15q22.2.
Variant type: single nucleotide variant.
Coding change: c.374G>A on transcript NM_134261.3 (MANE Select); coding-DNA position 374, G replaced by A.
Protein change: p.Cys125Tyr; replaces cysteine 125 with tyrosine.
Molecular consequence: missense variant.
Genome position (GRCh38, 1-based): chr15:60,514,666, C>T on the plus strand (G>A on the coding strand, the complement: RORA is on the minus strand). VCF-style: chr15-60514666-C-T. GRCh37 (hg19) VCF-style: chr15-60806865-C-T.
Other names: c.449G>A, p.Cys150Tyr (NM_002943.4); c.473G>A, p.Cys158Tyr (NM_134260.3); c.209G>A, p.Cys70Tyr (NM_134262.3); short protein forms C158Y, C70Y, C125Y, C150Y.
Identifiers: ClinVar variation 4156153 (VCV004156153.3).